The following is an entry in ClinVar:

NM_017739.4(POMGNT1):c.434C>T (p.Ala145Val)

Genes: POMGNT1 (protein O-linked mannose N-acetylglucosaminyltransferase 1 (beta 1,2-); minus strand), TSPAN1 (tetraspanin 1; plus strand). Cytogenetic location: 1p34.1.
Variant type: single nucleotide variant.
Coding change: c.434C>T on transcript NM_017739.4 (MANE Select); coding-DNA position 434, C replaced by T.
Protein change: p.Ala145Val; replaces alanine 145 with valine.
Molecular consequence: missense variant.
Genome position (GRCh38, 1-based): chr1:46,195,911, G>A on the plus strand (C>T on the coding strand, the complement: POMGNT1 is on the minus strand). VCF-style: chr1-46195911-G-A. GRCh37 (hg19) VCF-style: chr1-46661583-G-A.
Other names: c.434C>T, p.Ala145Val (NM_001243766.2, NM_001410783.1); c.368C>T, p.Ala123Val (NM_001290129.3); c.5C>T, p.Ala2Val (NM_001290130.2); short protein forms A145V, A123V, A2V.
Identifiers: ClinVar variation 1461304 (VCV001461304.3), dbSNP rs2148212293, ClinGen allele CA340189053.

ClinVar aggregate classification (germline): Uncertain significance (1 of 4 stars; one submission).

Conditions:
Autosomal recessive limb-girdle muscular dystrophy type 2O. Also called: Limb-Girdle Muscular Dystrophy Type 3C; MUSCULAR DYSTROPHY-DYSTROGLYCANOPATHY (LIMB-GIRDLE), TYPE C, 3; MUSCULAR DYSTROPHY-DYSTROGLYCANOPATHY, LIMB-GIRDLE, POMGNT1-RELATED. Identifiers: Orphanet 206564, MedGen C3150417, MONDO:0013161, OMIM 613157.
Muscular dystrophy-dystroglycanopathy (congenital with impaired intellectual development), type B, 3. Also called: Muscular dystrophy-dystroglycanopathy (congenital with intellectual disability), type B3; MUSCULAR DYSTROPHY, CONGENITAL, POMGNT1-RELATED. Identifiers: MedGen C3150412, MONDO:0013155, OMIM 613151.

Submission:

Labcorp Genetics (formerly Invitae), Labcorp
Classification: Uncertain significance for Autosomal recessive limb-girdle muscular dystrophy type 2O; Muscular dystrophy-dystroglycanopathy (congenital with impaired intellectual development), type B, 3. Last evaluated: 2021-11-19. Review status: criteria provided, single submitter. Criteria: Invitae Variant Classification Sherloc (09022015). Collection method: clinical testing. Allele origin: germline.
Comment: This sequence change replaces alanine, which is neutral and non-polar, with valine, which is neutral and non-polar, at codon 145 of the POMGNT1 protein (p.Ala145Val). This variant is not present in population databases (gnomAD no frequency). This variant has not been reported in the literature in individuals affected with POMGNT1-related conditions. Advanced modeling of protein sequence and biophysical properties (such as structural, functional, and spatial information, amino acid conservation, physicochemical variation, residue mobility, and thermodynamic stability) performed at Invitae indicates that this missense variant is not expected to disrupt POMGNT1 protein function. Algorithms developed to predict the effect of sequence changes on RNA splicing suggest that this variant may create or strengthen a splice site. In summary, the available evidence is currently insufficient to determine the role of this variant in disease. Therefore, it has been classified as a Variant of Uncertain Significance.